The following is an entry in ClinVar:

ClinVar aggregate classification (germline): Uncertain significance (1 of 4 stars; one submission).

Conditions:
Inborn genetic diseases. Identifiers: MedGen C0950123, MeSH D030342.

Submission:

Ambry Genetics
Classification: Uncertain significance for Inborn genetic diseases. Last evaluated: 2025-06-09. Review status: criteria provided, single submitter. Criteria: Ambry Variant Classification Scheme 2023. Collection method: clinical testing. Allele origin: germline.
Comment: The p.T19I variant (also known as c.56C>T), located in coding exon 1 of the MBD4 gene, results from a C to T substitution at nucleotide position 56. The threonine at codon 19 is replaced by isoleucine, an amino acid with similar properties. This amino acid position is conserved. In addition, this alteration is predicted to be tolerated by in silico analysis. Based on the available evidence, the clinical significance of this variant remains unclear.

NM_001276270.2(MBD4):c.56C>T (p.Thr19Ile)

Genes: MBD4 (methyl-CpG binding domain 4, DNA glycosylase; minus strand), LOC129937550 (ATAC-STARR-seq lymphoblastoid active region 20512; plus strand). Cytogenetic location: 3q21.3.
Variant type: single nucleotide variant.
Coding change: c.56C>T on transcript NM_001276270.2 (MANE Select); coding-DNA position 56, C replaced by T.
Protein change: p.Thr19Ile; replaces threonine 19 with isoleucine.
Molecular consequence: missense variant.
Genome position (GRCh38, 1-based): chr3:129,439,778, G>A on the plus strand (C>T on the coding strand, the complement: MBD4 is on the minus strand). VCF-style: chr3-129439778-G-A. GRCh37 (hg19) VCF-style: chr3-129158621-G-A.
Other names: c.56C>T, p.Thr19Ile (NM_001276271.2, NM_001276272.2, NM_001276273.2 and 1 more transcripts); short protein forms T19I.
Identifiers: ClinVar variation 4052252 (VCV004052252.1).